The following is an entry in ClinVar:

NM_000343.4(SLC5A1):c.101T>C (p.Ile34Thr)

Gene: SLC5A1 (solute carrier family 5 member 1; plus strand). Cytogenetic location: 22q12.3.
Variant type: single nucleotide variant.
Coding change: c.101T>C on transcript NM_000343.4 (MANE Select); coding-DNA position 101, T replaced by C.
Protein change: p.Ile34Thr; replaces isoleucine 34 with threonine.
Molecular consequence: missense variant.
Genome position (GRCh38, 1-based): chr22:32,043,382, T>C. VCF-style: chr22-32043382-T-C. GRCh37 (hg19) VCF-style: chr22-32439369-T-C.
Other names: short protein forms I34T.
Identifiers: ClinVar variation 341235 (VCV000341235.11), dbSNP rs139760182, ClinGen allele CA10197837.

ClinVar aggregate classification (germline): Uncertain significance. Review status: criteria provided, multiple submitters, no conflicts (2 of 4 stars). 4 submissions from 4 submitters: Uncertain significance (4). Last evaluated 2024-11-30.

Conditions:
Congenital glucose-galactose malabsorption (GGM). Also called: MONOSACCHARIDE MALABSORPTION; DIARRHEA 16. Identifiers: Orphanet 35710, MedGen C0268186, MONDO:0011731, OMIM 606824.

Allele frequency attached by ClinVar (database versions not stated): ESP Exome Variant Server 0.00008; gnomAD exomes 0.00010 and 0.00019; gnomAD 0.00013; TOPMed 0.00016; ExAC 0.00018.
gnomAD v4.1: 185 of 1,613,992 alleles (0.011%); highest among the groups gnomAD compares: Middle Eastern, 0.2%; no homozygotes.

Submissions (4):

Labcorp Genetics (formerly Invitae), Labcorp
Classification: Uncertain significance for Congenital glucose-galactose malabsorption. Last evaluated: 2024-11-30. Review status: criteria provided, single submitter. Criteria: Invitae Variant Classification Sherloc (09022015). Collection method: clinical testing. Allele origin: germline.
Comment: This sequence change replaces isoleucine, which is neutral and non-polar, with threonine, which is neutral and polar, at codon 34 of the SLC5A1 protein (p.Ile34Thr). This variant is present in population databases (rs139760182, gnomAD 0.2%). This variant has not been reported in the literature in individuals affected with SLC5A1-related conditions. ClinVar contains an entry for this variant (Variation ID: 341235). Invitae Evidence Modeling of protein sequence and biophysical properties (such as structural, functional, and spatial information, amino acid conservation, physicochemical variation, residue mobility, and thermodynamic stability) has been performed for this missense variant. However, the output from this modeling did not meet the statistical confidence thresholds required to predict the impact of this variant on SLC5A1 protein function. In summary, the available evidence is currently insufficient to determine the role of this variant in disease. Therefore, it has been classified as a Variant of Uncertain Significance.

Fulgent Genetics
Classification: Uncertain significance for Congenital glucose-galactose malabsorption. Last evaluated: 2024-05-30. Review status: criteria provided, single submitter. Criteria: ACMG Guidelines, 2015. Collection method: clinical testing. Allele origin: germline.

Baylor Genetics
Classification: Uncertain significance for Congenital glucose-galactose malabsorption. Last evaluated: 2020-01-08. Review status: criteria provided, single submitter. Criteria: ACMG Guidelines, 2015. Collection method: clinical testing. Allele origin: unknown. Affected: yes.
Comment: This variant was determined to be of uncertain significance according to ACMG Guidelines, 2015 [PMID:25741868].

Illumina Laboratory Services, Illumina
Classification: Uncertain significance for Congenital glucose-galactose malabsorption. Last evaluated: 2018-01-13. Review status: criteria provided, single submitter. Criteria: ICSL Variant Classification Criteria 13 December 2019. Collection method: clinical testing. Allele origin: germline.